The following is an entry in ClinVar:

NM_021098.3(CACNA1H):c.3470G>A (p.Arg1157His)

Gene: CACNA1H (calcium voltage-gated channel subunit alpha1 H; plus strand). Cytogenetic location: 16p13.3.
Variant type: single nucleotide variant.
Coding change: c.3470G>A on transcript NM_021098.3 (MANE Select); coding-DNA position 3470, G replaced by A.
Protein change: p.Arg1157His; replaces arginine 1157 with histidine.
Molecular consequence: missense variant.
Genome position (GRCh38, 1-based): chr16:1,209,138, G>A. VCF-style: chr16-1209138-G-A. GRCh37 (hg19) VCF-style: chr16-1259138-G-A.
Other names: c.3470G>A, p.Arg1157His (NM_001005407.2); short protein forms R1157H.
Identifiers: ClinVar variation 377618 (VCV000377618.12), dbSNP rs772040768, ClinGen allele CA7800772.
Genomic context (GRCh38, chr16:1,209,138, plus strand): 5'-CCTGGAGCAGCCGGCGCTCCAGCTGGAGCAGCCTGGGCCGTGCCCCCAGCCTCAAGCGCC[G>A]CGGCCAGTGTGGGGAACGTGAGTCCCTGCTGTCTGGCGAGGGCAAGGGCAGCACCGACGA-3'
Protein context (NP_066921.2, residues 1147-1167): SLGRAPSLKR[Arg1157His]GQCGERESLL

ClinVar aggregate classification (germline): Conflicting classifications of pathogenicity. Review status: criteria provided, conflicting classifications (1 of 4 stars). 3 submissions from 3 submitters: Uncertain significance (2); Likely benign (1). Last evaluated 2025-04-11.

Conditions:
Epilepsy, childhood absence, susceptibility to, 6. Identifiers: Orphanet 64280, MedGen C2749872, MONDO:0012763, OMIM 611942.
Hyperaldosteronism, familial, type IV (HALD4). Also called: FH IV; ALDOSTERONISM, PRIMARY, AND HYPERTENSION. Identifiers: Orphanet 642671, MedGen C4310756, MONDO:0014875, OMIM 617027.
Idiopathic generalized epilepsy. Also called: Generalised epilepsy; EIG. Identifiers: MedGen C0270850, MONDO:0005579, OMIM 600669.

Allele frequency attached by ClinVar (database versions not stated): ExAC below 0.00001; gnomAD 0.00001; gnomAD exomes 0.00001; TOPMed 0.00003.
gnomAD v4.1: 46 of 1,553,302 alleles (0.003%); highest among the groups gnomAD compares: Middle Eastern, 0.017%; no homozygotes.

Submissions (3):

Labcorp Genetics (formerly Invitae), Labcorp
Classification: Likely benign for Idiopathic generalized epilepsy; Hyperaldosteronism, familial, type IV. Last evaluated: 2025-04-11. Review status: criteria provided, single submitter. Criteria: Invitae Variant Classification Sherloc (09022015). Collection method: clinical testing. Allele origin: germline.

Fulgent Genetics
Classification: Uncertain significance for Epilepsy, childhood absence, susceptibility to, 6; Hyperaldosteronism, familial, type IV. Last evaluated: 2024-05-19. Review status: criteria provided, single submitter. Criteria: ACMG Guidelines, 2015. Collection method: clinical testing. Allele origin: germline.

GeneDx
Classification: Uncertain significance. Last evaluated: 2019-09-23. Review status: criteria provided, single submitter. Criteria: GeneDx Variant Classification Process June 2021. Collection method: clinical testing. Allele origin: germline. Affected: yes.
Comment: In silico analysis, which includes protein predictors and evolutionary conservation, supports a deleterious effect; Has not been previously published as pathogenic or benign to our knowledge